The following is an entry in ClinVar:

ClinVar aggregate classification (germline): Uncertain significance. Review status: criteria provided, multiple submitters, no conflicts (2 of 4 stars). 2 submissions from 2 submitters: Uncertain significance (2). Last evaluated 2024-01-29.

Conditions:
Inborn genetic diseases. Identifiers: MedGen C0950123, MeSH D030342.

Allele frequency attached by ClinVar (database versions not stated): gnomAD exomes below 0.00001; TOPMed 0.00002; gnomAD 0.00003 and 0.00004.
gnomAD v4.1: 6 of 1,611,118 alleles (0.00037%); highest among the groups gnomAD compares: African/African-American, 0.008%; no homozygotes.

Submissions (2):

Labcorp Genetics (formerly Invitae), Labcorp
Classification: Uncertain significance. Last evaluated: 2024-01-29. Review status: criteria provided, single submitter. Criteria: Invitae Variant Classification Sherloc (09022015). Collection method: clinical testing. Allele origin: germline.
Comment: This sequence change replaces aspartic acid, which is acidic and polar, with glutamic acid, which is acidic and polar, at codon 63 of the KIAA1549 protein (p.Asp63Glu). This variant is present in population databases (rs375343699, gnomAD 0.008%). This missense change has been observed in individual(s) with clinical features of retinitis pigmentosa (Invitae). ClinVar contains an entry for this variant (Variation ID: 1006527). An algorithm developed to predict the effect of missense changes on protein structure and function (PolyPhen-2) suggests that this variant is likely to be tolerated. Algorithms developed to predict the effect of sequence changes on RNA splicing suggest that this variant may create or strengthen a splice site. In summary, the available evidence is currently insufficient to determine the role of this variant in disease. Therefore, it has been classified as a Variant of Uncertain Significance.

Ambry Genetics
Classification: Uncertain significance for Inborn genetic diseases. Last evaluated: 2021-12-07. Review status: criteria provided, single submitter. Criteria: Ambry Variant Classification Scheme 2023. Collection method: clinical testing. Allele origin: germline.

NM_001164665.2(KIAA1549):c.189T>A (p.Asp63Glu)

Gene: KIAA1549 (KIAA1549; minus strand). Cytogenetic location: 7q34.
Variant type: single nucleotide variant.
Coding change: c.189T>A on transcript NM_001164665.2 (MANE Select); coding-DNA position 189, T replaced by A.
Protein change: p.Asp63Glu; replaces aspartic acid 63 with glutamic acid.
Molecular consequence: missense variant.
Genome position (GRCh38, 1-based): chr7:138,919,437, A>T on the plus strand (T>A on the coding strand, the complement: KIAA1549 is on the minus strand). VCF-style: chr7-138919437-A-T. GRCh37 (hg19) VCF-style: chr7-138604183-A-T.
Other names: c.189T>A (NM_001164665.1); c.189T>A, p.Asp63Glu (NM_020910.3); short protein forms D63E.
Identifiers: ClinVar variation 1006527 (VCV001006527.9), dbSNP rs375343699, ClinGen allele CA167167350.
Genomic context (GRCh38, chr7:138,919,437, plus strand): 5'-TTTCTTCAGCACGAGCTCCATGGAGTATAAAGAAAGGTTGTGCTGTTCCGGAGAGAGCTC[A>T]TCTATCAAGAAAATCAGAGCTGGGTTAGTGCAATGCATTGGAAGTCACACAGCTAACGTT-3'
Protein context (NP_001158137.1, residues 53-73): LLARPASCAP[Asp63Glu]ELSPEQHNLS